The following is an entry in ClinVar:

ClinVar aggregate classification (germline): Uncertain significance (1 of 4 stars; one submission).

Submission:

Women's Health and Genetics/Laboratory Corporation of America, LabCorp
Classification: Uncertain significance. Last evaluated: 2026-02-06. Review status: criteria provided, single submitter. Criteria: LabCorp Variant Classification Summary - May 2015. Collection method: clinical testing. Allele origin: germline.
Comment: Variant summary: F8 c.1679G>C (p.Arg560Thr) results in a non-conservative amino acid change in the encoded protein sequence. Algorithms developed to predict the effect of missense changes on protein structure and function are either unavailable or do not agree on the potential impact of this missense change. The variant was absent in 183443 control chromosomes (gnomAD). The available data on variant occurrences in the general population are insufficient to allow any conclusion about variant significance. c.1679G>C has been observed in individuals affected with Factor VIII Deficiency (Hemophilia A) (Liu_1998, Nance_2013). These reports do not provide unequivocal conclusions about association of the variant with Factor VIII Deficiency (Hemophilia A). To our knowledge, no experimental evidence demonstrating an impact on protein function has been reported. The following publications have been ascertained in the context of this evaluation (PMID: 9886318, 19473423, 23711294). No submitters have cited clinical-significance assessments for this variant to ClinVar. Based on the evidence outlined above, the variant was classified as uncertain significance.

Literature cited by the submitters: PubMed 23711294; PubMed 19473423; PubMed 9886318.

NM_000132.4(F8):c.1679G>C (p.Arg560Thr)

Gene: F8 (coagulation factor VIII; minus strand). Cytogenetic location: Xq28.
Variant type: single nucleotide variant.
Coding change: c.1679G>C on transcript NM_000132.4 (MANE Select); coding-DNA position 1679, G replaced by C.
Protein change: p.Arg560Thr; replaces arginine 560 with threonine.
Molecular consequence: missense variant.
Genome position (GRCh38, 1-based): chrX:154,957,030, C>G on the plus strand (G>C on the coding strand, the complement: F8 is on the minus strand). VCF-style: chrX-154957030-C-G. GRCh37 (hg19) VCF-style: chrX-154185305-C-G.
Other names: short protein forms R560T.
Identifiers: ClinVar variation 4847994 (VCV004847994.1).
Genomic context (GRCh38, chrX:154,957,030, plus strand): 5'-TGATCTACAGATTCTTTGTAGCAGATGAGGAGAGGGCCAATGAGTCCTGAAGCTAGATCT[C>G]TCTCCATATTAACGAAACTAGAGTAATAGCGGGTCAGGCACCGAGGATCTGATTTAGTTG-3'
Protein context (NP_000123.1, residues 550-570): RYYSSFVNME[Arg560Thr]DLASGLIGPL